The following is an entry in ClinVar:

ClinVar aggregate classification (germline): Uncertain significance (1 of 4 stars; one submission).

Conditions:
Neuronal ceroid lipofuscinosis. Also called: Neuronal Ceroid Lipofuscinoses. Identifiers: Orphanet 216, Orphanet 79263, MedGen C0027877, MONDO:0016295. Disease mechanism: loss of function.

Allele frequency attached by ClinVar (database versions not stated): ExAC 0.00001; gnomAD 0.00001; gnomAD exomes 0.00001; TOPMed 0.00001.
gnomAD v4.1: 15 of 1,613,766 alleles (0.00093%); highest among the groups gnomAD compares: South Asian, 0.0011%; no homozygotes.

Submission:

Labcorp Genetics (formerly Invitae), Labcorp
Classification: Uncertain significance for Neuronal ceroid lipofuscinosis. Last evaluated: 2022-10-13. Review status: criteria provided, single submitter. Criteria: Invitae Variant Classification Sherloc (09022015). Collection method: clinical testing. Allele origin: germline.
Comment: This sequence change replaces arginine, which is basic and polar, with cysteine, which is neutral and slightly polar, at codon 33 of the CTSD protein (p.Arg33Cys). This variant is present in population databases (rs758822108, gnomAD 0.003%). This variant has not been reported in the literature in individuals affected with CTSD-related conditions. Algorithms developed to predict the effect of missense changes on protein structure and function (SIFT, PolyPhen-2, Align-GVGD) all suggest that this variant is likely to be disruptive. In summary, the available evidence is currently insufficient to determine the role of this variant in disease. Therefore, it has been classified as a Variant of Uncertain Significance.

NM_001909.5(CTSD):c.97C>T (p.Arg33Cys)

Genes: PRADX (PRC2 and DDX5 associated lncRNA; plus strand), CTSD (cathepsin D; minus strand). Cytogenetic location: 11p15.5.
Variant type: single nucleotide variant.
Coding change: c.97C>T on transcript NM_001909.5 (MANE Select); coding-DNA position 97, C replaced by T.
Protein change: p.Arg33Cys; replaces arginine 33 with cysteine.
Molecular consequence: missense variant.
Genome position (GRCh38, 1-based): chr11:1,761,440, G>A on the plus strand (C>T on the coding strand, the complement: CTSD is on the minus strand). VCF-style: chr11-1761440-G-A. GRCh37 (hg19) VCF-style: chr11-1782670-G-A.
Other names: short protein forms R33C.
Identifiers: ClinVar variation 2188717 (VCV002188717.1), dbSNP rs758822108, ClinGen allele CA5814295.